The following is an entry in ClinVar:

ClinVar aggregate classification (germline): Pathogenic/Likely pathogenic. Review status: criteria provided, multiple submitters, no conflicts (2 of 4 stars). 2 submissions from 2 submitters: Pathogenic (1); Likely pathogenic (1). Last evaluated 2024-03-05.

Conditions:
Autosomal recessive limb-girdle muscular dystrophy type 2A (LGMDR1). Also called: Limb-girdle muscular dystrophy, type 2A; Calpainopathy; LEYDEN-MOEBIUS MUSCULAR DYSTROPHY; MUSCULAR DYSTROPHY, PELVOFEMORAL; Muscular dystrophy, limb-girdle, type 2A, Amish. Identifiers: Orphanet 267, MedGen C1869123, MONDO:0009675, OMIM 253600. Disease mechanism: loss of function.

Submissions (2):

Labcorp Genetics (formerly Invitae), Labcorp
Classification: Pathogenic for Autosomal recessive limb-girdle muscular dystrophy type 2A. Last evaluated: 2024-03-05. Review status: criteria provided, single submitter. Criteria: Invitae Variant Classification Sherloc (09022015). Collection method: clinical testing. Allele origin: germline.
Comment: This sequence change creates a premature translational stop signal (p.Arg258*) in the CAPN3 gene. It is expected to result in an absent or disrupted protein product. Loss-of-function variants in CAPN3 are known to be pathogenic (PMID: 10330340, 15689361). This variant is not present in population databases (gnomAD no frequency). This variant has not been reported in the literature in individuals affected with CAPN3-related conditions. ClinVar contains an entry for this variant (Variation ID: 983853). For these reasons, this variant has been classified as Pathogenic.

Myriad Genetics, Inc.
Classification: Likely pathogenic for Autosomal recessive limb-girdle muscular dystrophy type 2A. Last evaluated: 2019-12-19. Review status: criteria provided, single submitter. Criteria: Myriad Women's Health Autosomal Recessive and X-Linked Classification Criteria (2019). Collection method: clinical testing. Allele origin: unknown.
Comment: NM_000070.2(CAPN3):c.772A>T(R258*) is expected to be pathogenic in the context of calpainopathy. This variant is predicted to lead to an abnormal or absent protein product due to the creation of a premature termination codon in CAPN3, a gene where loss-of-function variants are known to be pathogenic. Please note: this variant was assessed in the context of healthy population screening.

Literature cited by the submitters: PubMed 10330340 (cited by Labcorp Genetics (formerly Invitae), Labcorp); PubMed 15689361 (cited by Labcorp Genetics (formerly Invitae), Labcorp).

NM_000070.3(CAPN3):c.772A>T (p.Arg258Ter)

Gene: CAPN3 (calpain 3; plus strand). Cytogenetic location: 15q15.1.
Variant type: single nucleotide variant.
Coding change: c.772A>T on transcript NM_000070.3 (MANE Select); coding-DNA position 772, A replaced by T.
Protein change: p.Arg258Ter; replaces arginine 258 with a stop codon.
Molecular consequence: nonsense.
Genome position (GRCh38, 1-based): chr15:42,389,067, A>T. VCF-style: chr15-42389067-A-T. GRCh37 (hg19) VCF-style: chr15-42681265-A-T.
Other names: c.772A>T, p.Arg258Ter (NM_024344.2, NM_173087.2); short protein forms R258*.
Identifiers: ClinVar variation 983853 (VCV000983853.8), dbSNP rs2053484604, ClinGen allele CA391998353.